The following is an entry in ClinVar:

ClinVar aggregate classification (germline): Uncertain significance (1 of 4 stars; one submission).

Allele frequency attached by ClinVar (database versions not stated): TOPMed below 0.00001.

Submission:

Labcorp Genetics (formerly Invitae), Labcorp
Classification: Uncertain significance. Last evaluated: 2022-03-16. Review status: criteria provided, single submitter. Criteria: Invitae Variant Classification Sherloc (09022015). Collection method: clinical testing. Allele origin: germline.
Comment: In summary, the available evidence is currently insufficient to determine the role of this variant in disease. Therefore, it has been classified as a Variant of Uncertain Significance. Algorithms developed to predict the effect of missense changes on protein structure and function are either unavailable or do not agree on the potential impact of this missense change (SIFT: "Not Available"; PolyPhen-2: "Benign"; Align-GVGD: "Not Available"). This variant has not been reported in the literature in individuals affected with CEP250-related conditions. This variant is not present in population databases (gnomAD no frequency). This sequence change replaces proline, which is neutral and non-polar, with leucine, which is neutral and non-polar, at codon 2432 of the CEP250 protein (p.Pro2432Leu).

NM_007186.6(CEP250):c.7295C>T (p.Pro2432Leu)

Gene: CEP250 (centrosomal protein 250; plus strand). Cytogenetic location: 20q11.22.
Variant type: single nucleotide variant.
Coding change: c.7295C>T on transcript NM_007186.6 (MANE Select); coding-DNA position 7295, C replaced by T.
Protein change: p.Pro2432Leu; replaces proline 2432 with leucine.
Molecular consequence: missense variant.
Genome position (GRCh38, 1-based): chr20:35,511,592, C>T. VCF-style: chr20-35511592-C-T. GRCh37 (hg19) VCF-style: chr20-34099421-C-T.
Other names: c.5399C>T, p.Pro1800Leu (NM_001318219.1); short protein forms P2432L, P1800L.
Identifiers: ClinVar variation 2059322 (VCV002059322.4), dbSNP rs1601332063, ClinGen allele CA408762729.